The following is an entry in ClinVar:

NM_000492.4(CFTR):c.988G>T (p.Gly330Ter)

Gene: CFTR (CF transmembrane conductance regulator; plus strand). Cytogenetic location: 7q31.2.
Variant type: single nucleotide variant.
Coding change: c.988G>T on transcript NM_000492.4 (MANE Select); coding-DNA position 988, G replaced by T.
Protein change: p.Gly330Ter; replaces glycine 330 with a stop codon.
Molecular consequence: nonsense.
Genome position (GRCh38, 1-based): chr7:117,540,218, G>T. VCF-style: chr7-117540218-G-T. GRCh37 (hg19) VCF-style: chr7-117180272-G-T.
Other names: G330*.
Identifiers: ClinVar variation 48708 (VCV000048708.25), dbSNP rs79031340, ClinGen allele CA328133.

ClinVar aggregate classification (germline): Pathogenic. Review status: reviewed by expert panel (3 of 4 stars). 14 submissions from 12 submitters: Pathogenic (1). 13 of the submissions do not count toward it. Last evaluated 2017-03-17.

Conditions:
CFTR-related disorder (CFTR-RD). Also called: CFTR-related disorders; CFTR-related condition. Identifiers: MedGen C5924204, MONDO:7770004.
Inborn genetic diseases. Identifiers: MedGen C0950123, MeSH D030342.
Cystic fibrosis (CF). Also called: MUCOVISCIDOSIS. Identifiers: Orphanet 586, MedGen C0010674, MONDO:0009061, OMIM 219700. Disease mechanism: loss of function.
Congenital bilateral aplasia of vas deferens from CFTR mutation (CBAVD). Identifiers: Orphanet 48, MedGen C0403814, MONDO:0010178, OMIM 277180. Disease mechanism: loss of function.
Hereditary pancreatitis (PCTT). Also called: Hereditary chronic pancreatitis; PRSS1-Related Hereditary Pancreatitis. Identifiers: Orphanet 676, MedGen C0238339, MONDO:0008185, OMIM 167800.
Bronchiectasis with or without elevated sweat chloride 1 (BESC1). Also called: Cystic Fibrosis-Like Syndrome. Identifiers: Orphanet 60033, MedGen C2749757, MONDO:0008887, OMIM 211400.

Allele frequency attached by ClinVar (database versions not stated): gnomAD exomes below 0.00001; gnomAD 0.00002; TOPMed 0.00003.
gnomAD v4.1: 4 of 1,613,934 alleles (0.00025%); highest among the groups gnomAD compares: African/African-American, 0.0053%; no homozygotes.

Submissions (14):

CFTR2
Classification: Pathogenic for Cystic fibrosis. Last evaluated: 2017-03-17. Review status: reviewed by expert panel. Criteria: Sosnay PR et al. (Nat Genet 2013). Collection method: research. Allele origin: germline. Affected: yes. Study: CFTR2.

Natera, Inc.
Classification: Pathogenic for CFTR-related disorders. Last evaluated: 2026-01-20. Review status: criteria provided, single submitter. Criteria: Natera Variant Classification Schema (03/2026). Collection method: clinical testing. Allele origin: germline. Not counted in ClinVar's aggregate classification.
Comment: The c.988G>T variant in CFTR is a nonsense variant predicted to introduce a stop codon at amino acid 330. This variant is expected to result in nonsense mediated decay, truncation, or a dysfunctional protein product. This variant is rare in the general population with a frequency below the threshold expected for the associated phenotype(s). This variant has been observed in one or more individuals affected with the associated recessive disease, as either homozygous or compound heterozygous with a second variant (PMID: 32143663, 30190268). Given the available evidence, this variant is classified as Pathogenic.

Quest Diagnostics Nichols Institute San Juan Capistrano
Classification: Pathogenic. Last evaluated: 2025-02-17. Review status: criteria provided, single submitter. Criteria: Quest Diagnostics criteria. Collection method: clinical testing. Allele origin: unknown. Not counted in ClinVar's aggregate classification.
Comment: The CFTR c.988G>T (p.Gly330*) variant causes the premature termination of CFTR protein synthesis. This variant has been reported in the published literature in individuals with CF (cystic fibrosis) (PMIDs: 9150159 (1997), 15371903 (2004), 32143663 (2020)). The frequency of this variant in the general population (Genome Aggregation Database) is consistent with pathogenicity. Based on the available information, this variant is classified as pathogenic.

Johns Hopkins Genomics, Johns Hopkins University
Classification: Pathogenic for Cystic fibrosis. Last evaluated: 2024-02-29. Review status: criteria provided, single submitter. Criteria: ACMG Guidelines, 2015. Collection method: clinical testing. Allele origin: germline. Not counted in ClinVar's aggregate classification.
Comment: PVS, PM2, PM3, PP4

Fulgent Genetics
Classification: Pathogenic for Hereditary pancreatitis; Bronchiectasis with or without elevated sweat chloride 1; Cystic fibrosis; Congenital bilateral aplasia of vas deferens from CFTR mutation. Last evaluated: 2024-01-20. Review status: criteria provided, single submitter. Criteria: ACMG Guidelines, 2015. Collection method: clinical testing. Allele origin: germline. Not counted in ClinVar's aggregate classification.

Labcorp Genetics (formerly Invitae), Labcorp
Classification: Pathogenic for Cystic fibrosis. Last evaluated: 2024-01-05. Review status: criteria provided, single submitter. Criteria: Invitae Variant Classification Sherloc (09022015). Collection method: clinical testing. Allele origin: germline. Not counted in ClinVar's aggregate classification.
Comment: This sequence change creates a premature translational stop signal (p.Gly330*) in the CFTR gene. It is expected to result in an absent or disrupted protein product. Loss-of-function variants in CFTR are known to be pathogenic (PMID: 1695717, 7691345, 9725922). This variant is not present in population databases (gnomAD no frequency). This premature translational stop signal has been observed in individuals with cystic fibrosis (PMID: 9150159, 18456578). ClinVar contains an entry for this variant (Variation ID: 48708). For these reasons, this variant has been classified as Pathogenic.

ARUP Laboratories, Molecular Genetics and Genomics, ARUP Laboratories
Classification: Pathogenic. Last evaluated: 2023-11-16. Review status: criteria provided, single submitter. Criteria: ARUP Molecular Germline Variant Investigation Process 2024. Collection method: clinical testing. Allele origin: germline. Not counted in ClinVar's aggregate classification.
Comment: The CFTR c.988G>T; p.Gly330Ter variant (rs79031340), is reported in cystic fibrosis patients, often associated with pancreatic insufficiency (CFTR2 database, Sosnay 2013, Sugarman 2004) and in a patient with congenital bilateral absence of vas deferens (Wang 2020). This variant is reported by several laboratories as pathogenic in ClinVar (Variation ID: 48708). This variant is also absent from the Genome Aggregation Database (v2.1.1), indicating it is not a common polymorphism. This variant induces an early termination codon and is predicted to result in a truncated protein or mRNA subject to nonsense-mediated decay. Based on available information, this variant is considered to be pathogenic. References: CFTR2 database: Macek M Jr et al. Identification of common cystic fibrosis mutations in African-Americans with cystic fibrosis increases the detection rate to 75%. Am J Hum Genet. 1997 May;60(5):1122-7. PMID: 9150159. Sosnay PR et al. Defining the disease liability of variants in the cystic fibrosis transmembrane conductance regulator gene. Nat Genet. 2013 Oct;45(10):1160-7. PMID: 23974870. Sugarman EA et al. CFTR mutation distribution among U.S. Hispanic and African American individuals: evaluation in cystic fibrosis patient and carrier screening populations. Genet Med. 2004 Sep-Oct;6(5):392-9. PMID: 15371903. Wang H et al. Genetic diagnosis and sperm retrieval outcomes for Chinese patients with congenital bilateral absence of vas deferens. Andrology. 2020 Sep;8(5):1064-1069. PMID: 32020786.

Baylor Genetics
Classification: Pathogenic for Bronchiectasis with or without elevated sweat chloride 1. Last evaluated: 2023-09-07. Review status: criteria provided, single submitter. Criteria: ACMG Guidelines, 2015. Collection method: clinical testing. Allele origin: unknown. Not counted in ClinVar's aggregate classification.

Ambry Genetics
Classification: Pathogenic for Cystic fibrosis. Last evaluated: 2020-03-11. Review status: criteria provided, single submitter. Criteria: Ambry General Variant Classification Scheme_2022. Collection method: clinical testing. Allele origin: germline. Observed: 1 variant allele. Not counted in ClinVar's aggregate classification.
Comment: The p.G330* pathogenic mutation (also known as c.988G>T), located in coding exon 8 of the CFTR gene, results from a G to T substitution at nucleotide position 988. This changes the amino acid from a glycine to a stop codon within coding exon 8. This mutation has been reported in individuals with cystic fibrosis (Macek M et al. Am. J. Hum. Genet., 1997 May;60:1122-7; Sosnay PR et al. Nat. Genet., 2013 Oct;45:1160-7). In addition to the clinical data presented in the literature, this alteration is expected to result in loss of function by premature protein truncation or nonsense-mediated mRNA decay. As such, this alteration is interpreted as a disease-causing mutation.

Myriad Genetics, Inc.
Classification: Pathogenic for Cystic fibrosis. Last evaluated: 2019-12-04. Review status: criteria provided, single submitter. Criteria: Myriad Women's Health Autosomal Recessive and X-Linked Classification Criteria (2019). Collection method: clinical testing. Allele origin: unknown. Not counted in ClinVar's aggregate classification.
Comment: NM_000492.3(CFTR):c.988G>T(G330*) is classified as pathogenic in the context of cystic fibrosis and is associated with the classic form of the disease. Sources cited for classification include the following: PMID 18456578 and 23974870. Classification of NM_000492.3(CFTR):c.988G>T(G330*) is based on the following criteria: The variant causes a premature termination codon that is expected to be targeted by nonsense-mediated mRNA decay and is reported in individuals with the relevant phenotype. Please note: this variant was assessed in the context of healthy population screening.

GeneDx
Classification: Pathogenic. Last evaluated: 2018-12-28. Review status: criteria provided, single submitter. Criteria: GeneDx Variant Classification (06012015). Collection method: clinical testing. Allele origin: germline. Affected: yes. Not counted in ClinVar's aggregate classification.
Comment: The G330X variant in the CFTR gene has been reported previously in an individual with cystic fibrosis (Macek et al., 1997). This variant is predicted to cause loss of normal protein function either through protein truncation or nonsense-mediated mRNA decay. The G330X variant is not observed in large population cohorts (Lek et al., 2016). We interpret G330X as a pathogenic variant.

Women's Health and Genetics/Laboratory Corporation of America, LabCorp
Classification: Pathogenic. Last evaluated: 2018-09-20. Review status: criteria provided, single submitter. Criteria: LabCorp Variant Classification Summary - May 2015. Collection method: clinical testing. Allele origin: germline. Not counted in ClinVar's aggregate classification.
Comment: Variant summary: CFTR c.988G>T (p.Gly330X) results in a premature termination codon, predicted to cause a truncation of the encoded protein or absence of the protein due to nonsense mediated decay, which are commonly known mechanisms for disease. The variant was absent in 246048 control chromosomes (gnomAD). The variant,c.988G>T, has been reported in the literature in multiple individuals affected with Cystic Fibrosis (e.g. Macek 1997, Sosnay 2013, Dupuis 2015). These data indicate that the variant is very likely to be associated with disease. To our knowledge, no experimental evidence demonstrating an impact on protein function has been reported. Two clinical diagnostic laboratories have submitted clinical-significance assessments for this variant to ClinVar after 2014 without evidence for independent evaluation, and both laboratories classified the variant as pathogenic. Based on the evidence outlined above, the variant was classified as pathogenic.

Ambry Genetics
Classification: Pathogenic for Inborn genetic diseases. Last evaluated: 2014-06-05. Review status: criteria provided, single submitter. Criteria: Ambry exome assertion method (8-5-2015). Collection method: clinical testing. Allele origin: germline. Affected: yes. Observed: 1 variant allele. Not counted in ClinVar's aggregate classification.

Baylor Genetics
Classification: Pathogenic for Congenital bilateral aplasia of vas deferens from CFTR mutation; Cystic fibrosis. Review status: criteria provided, single submitter. Criteria: ACMG Guidelines, 2015. Collection method: clinical testing. Allele origin: germline. Not counted in ClinVar's aggregate classification.

Literature cited by the submitters: PubMed 32143663 (cited by Natera, Inc. and Quest Diagnostics Nichols Institute San Juan Capistrano); PubMed 30190268 (cited by Natera, Inc.); PubMed 9150159 (cited by 4 submitters); PubMed 15371903 (cited by Quest Diagnostics Nichols Institute San Juan Capistrano); PubMed 1695717 (cited by Labcorp Genetics (formerly Invitae), Labcorp); PubMed 7691345 (cited by Labcorp Genetics (formerly Invitae), Labcorp); PubMed 9725922 (cited by Labcorp Genetics (formerly Invitae), Labcorp); PubMed 18456578 (cited by Labcorp Genetics (formerly Invitae), Labcorp and Myriad Genetics, Inc.); PubMed 23974870 (cited by 3 submitters).